The following is an entry in ClinVar:

NM_003966.3(SEMA5A):c.2572G>A (p.Gly858Ser)

Gene: SEMA5A (semaphorin 5A; minus strand). Cytogenetic location: 5p15.31.
Variant type: single nucleotide variant.
Coding change: c.2572G>A on transcript NM_003966.3 (MANE Select); coding-DNA position 2572, G replaced by A.
Protein change: p.Gly858Ser; replaces glycine 858 with serine.
Molecular consequence: missense variant.
Genome position (GRCh38, 1-based): chr5:9,054,204, C>T on the plus strand (G>A on the coding strand, the complement: SEMA5A is on the minus strand). VCF-style: chr5-9054204-C-T. GRCh37 (hg19) VCF-style: chr5-9054316-C-T.
Other names: short protein forms G858S.
Identifiers: ClinVar variation 4582247 (VCV004582247.1).

ClinVar aggregate classification (germline): Uncertain significance (1 of 4 stars; one submission).

gnomAD v4.1: 56 of 1,613,962 alleles (0.0035%); highest among the groups gnomAD compares: Middle Eastern, 0.033%; no homozygotes.

Submission:

Ambry Genetics
Classification: Uncertain significance. Last evaluated: 2025-09-26. Review status: criteria provided, single submitter. Criteria: Ambry Variant Classification Scheme 2023. Collection method: clinical testing. Allele origin: germline.
Comment: The c.2572G>A (p.G858S) alteration is located in exon 19 (coding exon 17) of the SEMA5A gene. This alteration results from a G to A substitution at nucleotide position 2572, causing the glycine (G) at amino acid position 858 to be replaced by a serine (S). Based on data from gnomAD, the A allele has an overall frequency of 0.005% (14/282438) total alleles studied. The highest observed frequency was 0.024% (6/24954) of African alleles. Based on insufficient or conflicting evidence, the clinical significance of this alteration remains unclear.